The following is an entry in ClinVar:

ClinVar aggregate classification (germline): Uncertain significance (1 of 4 stars; one submission).

gnomAD v4.1: 2 of 1,614,144 alleles (0.00012%); highest among the groups gnomAD compares: Non-Finnish European, 0.000085%; no homozygotes.

Submission:

GeneDx
Classification: Uncertain significance. Last evaluated: 2022-01-20. Review status: criteria provided, single submitter. Criteria: GeneDx Variant Classification Process June 2021. Collection method: clinical testing. Allele origin: germline. Affected: yes.
Comment: Not observed at significant frequency in large population cohorts (gnomAD); In silico analysis supports that this missense variant has a deleterious effect on protein structure/function; Has not been previously published as pathogenic or benign to our knowledge; Variants in candidate genes are classified as variants of uncertain significance in accordance with ACMG guidelines (Richards et al., 2015)

NM_013450.4(BAZ2B):c.4520C>T (p.Ser1507Leu)

Genes: BAZ2B (bromodomain adjacent to zinc finger domain 2B; minus strand), LOC126806390 (CDK7 strongly-dependent group 2 enhancer GRCh37_chr2:160205700-160206899; plus strand). Cytogenetic location: 2q24.2.
Variant type: single nucleotide variant.
Coding change: c.4520C>T on transcript NM_013450.4 (MANE Select); coding-DNA position 4520, C replaced by T.
Protein change: p.Ser1507Leu; replaces serine 1507 with leucine.
Molecular consequence: missense variant.
Genome position (GRCh38, 1-based): chr2:159,350,051, G>A on the plus strand (C>T on the coding strand, the complement: BAZ2B is on the minus strand). VCF-style: chr2-159350051-G-A. GRCh37 (hg19) VCF-style: chr2-160206562-G-A.
Other names: c.4412C>T, p.Ser1471Leu (NM_001289975.1); c.4358C>T, p.Ser1453Leu (NM_001329857.2); c.4445C>T, p.Ser1482Leu (NM_001329858.2); short protein forms S1453L, S1471L, S1482L, S1507L.
Identifiers: ClinVar variation 3342364 (VCV003342364.1).